The following is an entry in ClinVar:

NM_014727.3(KMT2B):c.7480C>A (p.Gln2494Lys)

Gene: KMT2B (lysine methyltransferase 2B; plus strand). Cytogenetic location: 19q13.12.
Variant type: single nucleotide variant.
Coding change: c.7480C>A on transcript NM_014727.3 (MANE Select); coding-DNA position 7480, C replaced by A.
Protein change: p.Gln2494Lys; replaces glutamine 2494 with lysine.
Molecular consequence: missense variant.
Genome position (GRCh38, 1-based): chr19:35,737,193, C>A. VCF-style: chr19-35737193-C-A. GRCh37 (hg19) VCF-style: chr19-36228094-C-A.
Other names: short protein forms Q2494K.
Identifiers: ClinVar variation 4076623 (VCV004076623.1).

ClinVar aggregate classification (germline): Uncertain significance (1 of 4 stars; one submission).

gnomAD v4.1: 1 of 1,598,524 alleles (0.000063%); no homozygotes.

Submission:

GeneDx
Classification: Uncertain significance. Last evaluated: 2025-02-19. Review status: criteria provided, single submitter. Criteria: GeneDx Variant Classification Process June 2021. Collection method: clinical testing. Allele origin: germline. Affected: yes.
Comment: Not observed at significant frequency in large population cohorts (gnomAD); In silico analysis indicates that this missense variant does not alter protein structure/function; Has not been previously published as pathogenic or benign to our knowledge